The following is an entry in ClinVar:

ClinVar aggregate classification (germline): Uncertain significance (1 of 4 stars; one submission).

Allele frequency attached by ClinVar (database versions not stated): ExAC 0.00001; gnomAD 0.00001; gnomAD exomes 0.00001; TOPMed 0.00002.
gnomAD v4.1: 8 of 1,613,908 alleles (0.0005%); highest among the groups gnomAD compares: Admixed American, 0.013%; no homozygotes.

Submission:

GeneDx
Classification: Uncertain significance. Last evaluated: 2023-05-01. Review status: criteria provided, single submitter. Criteria: GeneDx Variant Classification Process June 2021. Collection method: clinical testing. Allele origin: germline. Affected: yes.
Comment: In silico analysis supports that this missense variant does not alter protein structure/function; Has not been previously published as pathogenic or benign to our knowledge

NM_001080517.3(SETD5):c.1712T>C (p.Val571Ala)

Gene: SETD5 (SET domain containing 5; plus strand). Cytogenetic location: 3p25.3.
Variant type: single nucleotide variant.
Coding change: c.1712T>C on transcript NM_001080517.3 (MANE Select); coding-DNA position 1712, T replaced by C.
Protein change: p.Val571Ala; replaces valine 571 with alanine.
Molecular consequence: missense variant.
Genome position (GRCh38, 1-based): chr3:9,447,237, T>C. VCF-style: chr3-9447237-T-C. GRCh37 (hg19) VCF-style: chr3-9488921-T-C.
Other names: c.1418T>C, p.Val473Ala (NM_001292043.2, NM_001349451.2); short protein forms V473A, V571A.
Identifiers: ClinVar variation 2442423 (VCV002442423.2), dbSNP rs766505970, ClinGen allele CA2239272.
Genomic context (GRCh38, chr3:9,447,237, plus strand): 5'-AGACTCCTGTTGGTGAAGAGACAAAAACTGAAGCCCCTGAATCTGAAGTTAGCAACTCTG[T>C]TTCAAATGTTACCATCCCAAGCACCCCACAGAGTGTTGGTGTGAATACCCGGAGGTCTTC-3'
Protein context (NP_001073986.1, residues 561-581): EAPESEVSNS[Val571Ala]SNVTIPSTPQ